The following is an entry in ClinVar:

ClinVar aggregate classification (germline): Uncertain significance. Review status: criteria provided, multiple submitters, no conflicts (2 of 4 stars). 3 submissions from 3 submitters: Uncertain significance (3). Last evaluated 2022-07-19.

Conditions:
Primary ciliary dyskinesia. Also called: Ciliary dyskinesia. Identifiers: Orphanet 244, MedGen C0008780, MONDO:0016575, HP:0012265.

Allele frequency attached by ClinVar (database versions not stated): TOPMed 0.00001; gnomAD 0.00002.
gnomAD v4.1: 43 of 1,613,904 alleles (0.0027%); highest among the groups gnomAD compares: Non-Finnish European, 0.0031%; no homozygotes.

Submissions (3):

Labcorp Genetics (formerly Invitae), Labcorp
Classification: Uncertain significance for Primary ciliary dyskinesia. Last evaluated: 2022-07-19. Review status: criteria provided, single submitter. Criteria: Invitae Variant Classification Sherloc (09022015). Collection method: clinical testing. Allele origin: germline.
Comment: This sequence change replaces arginine, which is basic and polar, with tryptophan, which is neutral and slightly polar, at codon 61 of the CCDC103 protein (p.Arg61Trp). This variant is present in population databases (rs763938078, gnomAD 0.02%). This variant has not been reported in the literature in individuals affected with CCDC103-related conditions. ClinVar contains an entry for this variant (Variation ID: 525265). Algorithms developed to predict the effect of missense changes on protein structure and function (SIFT, PolyPhen-2, Align-GVGD) all suggest that this variant is likely to be disruptive. In summary, the available evidence is currently insufficient to determine the role of this variant in disease. Therefore, it has been classified as a Variant of Uncertain Significance.

Ambry Genetics
Classification: Uncertain significance for Primary ciliary dyskinesia. Last evaluated: 2022-04-04. Review status: criteria provided, single submitter. Criteria: Ambry Variant Classification Scheme 2023. Collection method: clinical testing. Allele origin: germline.
Comment: The p.R61W variant (also known as c.181C>T), located in coding exon 2 of the CCDC103 gene, results from a C to T substitution at nucleotide position 181. The arginine at codon 61 is replaced by tryptophan, an amino acid with dissimilar properties. This amino acid position is conserved. In addition, this alteration is predicted to be tolerated by in silico analysis. Since supporting evidence is limited at this time, the clinical significance of this alteration remains unclear.

Blueprint Genetics
Classification: Uncertain significance. Last evaluated: 2022-03-25. Review status: criteria provided, single submitter. Criteria: ACMG Guidelines, 2015. Collection method: clinical testing. Allele origin: germline.

NM_213607.3(DNAAF19):c.181C>T (p.Arg61Trp)

Gene: DNAAF19 (dynein axonemal assembly factor 19; plus strand). Cytogenetic location: 17q21.31.
Variant type: single nucleotide variant.
Coding change: c.181C>T on transcript NM_213607.3 (MANE Select); coding-DNA position 181, C replaced by T.
Protein change: p.Arg61Trp; replaces arginine 61 with tryptophan.
Molecular consequence: missense variant.
Genome position (GRCh38, 1-based): chr17:44,901,557, C>T. VCF-style: chr17-44901557-C-T. GRCh37 (hg19) VCF-style: chr17-42978925-C-T.
Other names: c.181C>T, p.Arg61Trp (NM_001258395.2, NM_001258396.2, NM_001258397.3 and 2 more transcripts); short protein forms R61W.
Identifiers: ClinVar variation 525265 (VCV000525265.6), dbSNP rs763938078, ClinGen allele CA8608299.
Genomic context (GRCh38, chr17:44,901,557, plus strand): 5'-TAATTTCTGTCCTTTGCCTACAGGGGTATTGTCCTTGCATCACATCTGAAGCCACTGGAG[C>T]GGAAGGATAAGATGGGAGGAAAGAGAACTGTGCCCTGGAACTGTCACACTATTCAGGGAA-3'
Protein context (NP_998772.1, residues 51-71): VLASHLKPLE[Arg61Trp]KDKMGGKRTV